The following is an entry in ClinVar:

NM_001377265.1(MAPT):c.2392C>T (p.Arg798Trp)

Gene: MAPT (microtubule associated protein tau). Cytogenetic location: 17q21.31.
Variant type: single nucleotide variant.
Coding change: c.2392C>T on transcript NM_001377265.1 (MANE Select); coding-DNA position 2392, C replaced by T.
Protein change: p.Arg798Trp; replaces arginine 798 with tryptophan.
Molecular consequence: missense variant. On other transcripts: non-coding transcript variant (1), intron variant (1).
Genome position (GRCh38, 1-based): chr17:46,024,061, C>T. VCF-style: chr17-46024061-C-T. GRCh37 (hg19) VCF-style: chr17-44101427-C-T.
Other names: c.2221C>T, p.Arg741Trp (NM_001123066.4); c.1129C>T, p.Arg377Trp (NM_001123067.4); c.1036C>T, p.Arg346Trp (NM_001203251.2); c.1123C>T, p.Arg375Trp (NM_001203252.2); c.2101C>T, p.Arg701Trp (NM_001377266.1); c.949C>T, p.Arg317Trp (NM_001377268.1, NM_016841.5); c.1216C>T, p.Arg406Trp (NM_005910.6); c.1042C>T, p.Arg348Trp (NM_016834.5); and 4 more; short protein forms R406W, R723W, R375W, R317W, R346W, R741W, R348W, R377W.
Identifiers: ClinVar variation 14247 (VCV000014247.59), dbSNP rs63750424, ClinGen allele CA225495.

ClinVar aggregate classification (germline): Pathogenic. Review status: criteria provided, multiple submitters, no conflicts (2 of 4 stars). 13 submissions from 13 submitters: Pathogenic (9). 4 of the submissions do not count toward it. Last evaluated 2026-04-03.

Conditions:
MAPT-related disorder. Also called: MAPT-related condition; MAPT-Related Disorders.
Pick disease. Also called: PICK DISEASE OF BRAIN; LOBAR ATROPHY OF BRAIN; Pick's disease; DEMENTIA WITH LOBAR ATROPHY AND NEURONAL CYTOPLASMIC INCLUSIONS; Pick Disease of the Brain. Identifiers: Orphanet 282, MedGen C0236642, MONDO:0008243, OMIM 172700.
Parkinson disease, late-onset (PD). Also called: Susceptibility to Parkinson's Disease; Hereditary late onset Parkinson disease; PARKINSON DISEASE, LATE-ONSET, SUSCEPTIBILITY TO. Identifiers: Orphanet 411602, MedGen C3160718, MONDO:0008199, OMIM 168600.
Progressive supranuclear palsy-parkinsonism syndrome. Also called: Supranuclear palsy, progressive, 1, atypical; Progressive supranuclear palsy atypical; Atypical PSP; PARKINSON-DEMENTIA SYNDROME. Identifiers: Orphanet 240085, Orphanet 683, Orphanet 99750, MedGen C1850077, MONDO:0009839, OMIM 260540.
Frontotemporal dementia (FTD1). Also called: Dementia, frontotemporal, with or without parkinsonism; MULTIPLE SYSTEM TAUOPATHY WITH PRESENILE DEMENTIA; Frontotemporal lobe dementia (FLDEM); FRONTOTEMPORAL DEMENTIA WITH PARKINSONISM; FRONTOTEMPORAL LOBE DEMENTIA; FRONTOTEMPORAL LOBAR DEGENERATION WITH TAU INCLUSIONS. Identifiers: Orphanet 282, MedGen C0338451, MONDO:0017276, OMIM 600274, HP:0002145.
Supranuclear palsy, progressive, 1 (PSNP1). Also called: STEELE-RICHARDSON-OLSZEWSKI SYNDROME. Identifiers: Orphanet 240071, MedGen C4551863, MONDO:0010997, OMIM 601104.

Allele frequency attached by ClinVar (database versions not stated): ExAC 0.00001; gnomAD exomes 0.00002.
gnomAD v4.1: 24 of 1,614,132 alleles (0.0015%); highest among the groups gnomAD compares: Non-Finnish European, 0.0019%; no homozygotes.

Submissions (13):

PreventionGenetics, part of Exact Sciences
Classification: Pathogenic for MAPT-related condition. Last evaluated: 2026-04-03. Review status: criteria provided, single submitter. Criteria: ACMG Guidelines, 2015. Collection method: clinical testing. Allele origin: germline.
Comment: The MAPT c.2221C>T variant is predicted to result in the amino acid substitution p.Arg741Trp. The variant is also referred to as c.1216C>T (p.Arg406Trp) using a different transcript (NM_005910.5). This variant has been extensively reported in individuals with behavioral variant frontotemporal dementia (bvFTD), Alzheimer Disease, or dementia with parkinsonism (Tipton et al. 2022. PubMed ID: 35790423; Koriath et al. 2020. PubMed ID: 30279455; Kunkle et al. 2017. PubMed ID: 28738127). For example, this variant has been reported in the heterozygous state to be causative of frontotemporal dementia in a large family with a history of the disease (Hutton et al. 1998. PubMed ID: 9641683). It was also reported in the heterozygous state to be pathogenic in a large family with early-onset Alzheimer Disease (EOAD)-like presentation (Carney et al. 2014. PubMed ID: 23727082). One report described this variant in the homozygous state in an individual with early-onset bvFTD who developed symptoms 20 years before mean family symptom onset, suggesting a dose-dependent effect on disease risk (Ng et al. 2015. PMID: 26734663). It is reported in 0.0046% of alleles in individuals of European (Finnish) descent in gnomAD; and has been consistently classified as pathogenic in ClinVar (Variation ID: 14247). This variant is interpreted as pathogenic.

Victorian Clinical Genetics Services, Murdoch Childrens Research Institute
Classification: Pathogenic for Frontotemporal dementia. Last evaluated: 2025-10-07. Review status: criteria provided, single submitter. Criteria: ACMG Guidelines, 2015. Collection method: clinical testing. Allele origin: germline. Affected: yes.
Comment: This variant is classified as Pathogenic. Evidence in support of pathogenic classification: Variant is present in gnomAD <0.001 for a dominant condition (v4: 24 heterozygote(s), 0 homozygote(s)); This variant has strong previous evidence of pathogenicity in unrelated individuals. This variant has been classified as pathogenic by multiple clinical laboratories in ClinVar. It has also been reported in the literature in multiple individuals presenting with frontotemporal dementia with or without parkinsonism, early onset dementia, and Alzheimer disease (PMID: 23727082). Evidence in support of benign classification: Same amino acid change has been observed in mammals. Additional information: Variant is predicted to result in a missense amino acid change from Arg to Trp; This variant is heterozygous; This gene is associated with autosomal dominant disease; Alternative amino acid change(s) at the same position are present in gnomAD (Highest allele count: v4: 8 heterozygote(s), 0 homozygote(s)); Loss of function and gain of function are known mechanisms of disease in this gene and are associated with frontotemporal dementia 1, with or without parkinsonism (MIM#600274), Pick disease (MIM#172700), and progressive supranuclear palsy (MIM#601104); Variants in this gene are known to have variable expressivity. Interfamilial and intrafamilial phenotypic heterogeneity have been described (PMID: 23727082); Inheritance information for this variant is not currently available in this individual.

GeneDx
Classification: Pathogenic. Last evaluated: 2025-07-14. Review status: criteria provided, single submitter. Criteria: GeneDx Variant Classification Process June 2021. Collection method: clinical testing. Allele origin: germline. Affected: yes.
Comment: Published functional studies demonstrate that R406W cells show a decreased level of phosphorylation and an inability to bind to microtubules, resulting in accumulation in the cytoplasm (PMID: 11756436, 10820221); In silico analysis supports that this missense variant has a deleterious effect on protein structure/function; This variant is associated with the following publications: (PMID: 23105105, 30279455, 30562452, 31836585, 29370822, 33061333, 34158384, 33427744, 23383383, 22368988, 18803694, 10820221, 24150109, 20634584, 23338682, 19304664, 21339331, 11102510, 18992292, 21849646, 22787795, 20377816, 26581847, 26028272, 25377499, 26734663, 25942996, 29253099, 11278002, 12368474, 11889249, 18284428, 9641683, 14517953, 10514099, 18587238, 20683187, 23727082, 31127772, 30924900, 32843152, 20662935, 11756436, 35790423, 36171642, 28738127, 37431188)

Labcorp Genetics (formerly Invitae), Labcorp
Classification: Pathogenic for Frontotemporal dementia. Last evaluated: 2025-07-14. Review status: criteria provided, single submitter. Criteria: Invitae Variant Classification Sherloc (09022015). Collection method: clinical testing. Allele origin: germline.
Comment: This sequence change replaces arginine, which is basic and polar, with tryptophan, which is neutral and slightly polar, at codon 406 of the MAPT protein (p.Arg406Trp). This variant is present in population databases (rs63750424, gnomAD 0.004%). This missense change has been observed in individuals with behavioral variant frontotemporal dementia (bvFTD), Alzheimer's disease, and/or mixed dementia with parkinsonism (PMID: 9382467, 9641683, 11117542, 11889249, 23383383, 23727082, 25942996, 26028272). It has also been observed to segregate with disease in related individuals. ClinVar contains an entry for this variant (Variation ID: 14247). Invitae Evidence Modeling of protein sequence and biophysical properties (such as structural, functional, and spatial information, amino acid conservation, physicochemical variation, residue mobility, and thermodynamic stability) indicates that this missense variant is not expected to disrupt MAPT protein function with a negative predictive value of 80%. Experimental studies have shown that this missense change affects MAPT function (PMID: 10797541, 11102510, 11756436, 19304664, 21339331, 24150109). For these reasons, this variant has been classified as Pathogenic.

Clinical Genetics Laboratory, Skane University Hospital Lund
Classification: Pathogenic for Frontotemporal dementia. Last evaluated: 2025-03-12. Review status: criteria provided, single submitter. Criteria: ACMG Guidelines, 2015. Collection method: clinical testing. Allele origin: germline. Affected: yes.
Comment: ACMG criteria used: PS3, PS4, PP1_strong, PP4, BP4

Institute of Medical Genetics and Applied Genomics, University Hospital Tübingen
Classification: Pathogenic for Frontotemporal dementia. Last evaluated: 2023-12-12. Review status: criteria provided, single submitter. Criteria: ACMG Guidelines, 2015. Collection method: clinical testing. Allele origin: germline. Affected: yes.

Fulgent Genetics
Classification: Pathogenic for Parkinson disease, late-onset; Pick disease; Progressive supranuclear palsy-parkinsonism syndrome; Frontotemporal dementia; Supranuclear palsy, progressive, 1. Last evaluated: 2022-03-15. Review status: criteria provided, single submitter. Criteria: ACMG Guidelines, 2015. Collection method: clinical testing. Allele origin: unknown.

CeGaT Center for Human Genetics Tuebingen
Classification: Pathogenic. Last evaluated: 2021-12-01. Review status: criteria provided, single submitter. Criteria: CeGaT Center For Human Genetics Tuebingen Variant Classification Criteria Version 2. Collection method: clinical testing. Allele origin: germline. Affected: yes. Observed: 1 variant allele.

Athena Diagnostics
Classification: Pathogenic. Last evaluated: 2014-11-26. Review status: criteria provided, single submitter. Criteria: Athena Diagnostics Criteria. Collection method: clinical testing. Allele origin: germline.

OMIM
Classification: Pathogenic for FRONTOTEMPORAL DEMENTIA 1. Last evaluated: 2003-11-01. Review status: no assertion criteria provided. Collection method: literature only. Allele origin: germline. Not counted in ClinVar's aggregate classification.

Clinical Genetics DNA and cytogenetics Diagnostics Lab, Erasmus MC, Erasmus Medical Center
Classification: Pathogenic. Review status: no assertion criteria provided. Collection method: clinical testing. Allele origin: germline. Affected: yes. Study: VKGL Data-share Consensus. Not counted in ClinVar's aggregate classification.

Genome Diagnostics Laboratory, Amsterdam University Medical Center
Classification: Pathogenic. Review status: no assertion criteria provided. Collection method: clinical testing. Allele origin: germline. Affected: yes. Study: VKGL Data-share Consensus. Not counted in ClinVar's aggregate classification.

VIB  Department of Molecular Genetics, University of Antwerp
No classification provided. Review status: no classification provided. Collection method: not provided. Allele origin: unknown. Not counted in ClinVar's aggregate classification.

Literature cited by the submitters: PubMed 23727082 (cited by 3 submitters); PubMed 9382467 (cited by Labcorp Genetics (formerly Invitae), Labcorp and OMIM); PubMed 9641683 (cited by Labcorp Genetics (formerly Invitae), Labcorp and Athena Diagnostics); PubMed 11117542 (cited by Labcorp Genetics (formerly Invitae), Labcorp); PubMed 11889249 (cited by 3 submitters); PubMed 23383383 (cited by Labcorp Genetics (formerly Invitae), Labcorp and Athena Diagnostics); PubMed 25942996 (cited by Labcorp Genetics (formerly Invitae), Labcorp); PubMed 26028272 (cited by Labcorp Genetics (formerly Invitae), Labcorp); PubMed 10797541 (cited by Labcorp Genetics (formerly Invitae), Labcorp); PubMed 11102510 (cited by Labcorp Genetics (formerly Invitae), Labcorp and Athena Diagnostics); PubMed 11756436 (cited by Labcorp Genetics (formerly Invitae), Labcorp and Athena Diagnostics); PubMed 19304664 (cited by Labcorp Genetics (formerly Invitae), Labcorp and Athena Diagnostics); PubMed 21339331 (cited by Labcorp Genetics (formerly Invitae), Labcorp and Athena Diagnostics); PubMed 24150109 (cited by Labcorp Genetics (formerly Invitae), Labcorp and Athena Diagnostics); PubMed 10820221 (cited by Athena Diagnostics); PubMed 18803694 (cited by Athena Diagnostics); PubMed 18992292 (cited by Athena Diagnostics); PubMed 20377816 (cited by Athena Diagnostics); PubMed 20634584 (cited by Athena Diagnostics); PubMed 21849646 (cited by Athena Diagnostics); PubMed 22787795 (cited by Athena Diagnostics); PubMed 23105105 (cited by Athena Diagnostics); PubMed 23338682 (cited by Athena Diagnostics); PubMed 10514099 (cited by Athena Diagnostics and OMIM); PubMed 18587238 (cited by Athena Diagnostics); PubMed 14517953 (cited by Athena Diagnostics and OMIM); PubMed 18284428 (cited by Athena Diagnostics); PubMed 9824291 (cited by Athena Diagnostics); PubMed 11159174 (cited by Athena Diagnostics); PubMed 15178940 (cited by Athena Diagnostics); PubMed 12876142 (cited by Athena Diagnostics); PubMed 19659892 (cited by Athena Diagnostics); PubMed 15178938 (cited by Athena Diagnostics); PubMed 9973279 (cited by Athena Diagnostics); PubMed 12368474 (cited by Athena Diagnostics and OMIM); PubMed 16495230 (cited by Athena Diagnostics); PubMed 11402146 (cited by OMIM); PubMed 11278002 (cited by OMIM); PubMed 8673924 (cited by OMIM); PubMed 17526496 (cited by OMIM).